The following is an entry in ClinVar:

ClinVar aggregate classification (germline): Uncertain significance (1 of 4 stars; one submission).

Conditions:
Inherited breast cancer and ovarian cancer.

Submission:

Genomics and Molecular Medicine Service, East Genomic Laboratory Hub, NHS Genomic Medicine Service
Classification: Uncertain significance for Inherited breast cancer and ovarian cancer. Last evaluated: 2024-04-17. Review status: criteria provided, single submitter. Criteria: ACGS Best Practice Guidelines for Variant Classification in Rare Disease 2020. Collection method: clinical testing. Allele origin: germline. Affected: yes.
Comment: BP4

NM_007294.4(BRCA1):c.5468-11T>A

Gene: BRCA1 (BRCA1 DNA repair associated; minus strand). Cytogenetic location: 17q21.31.
Variant type: single nucleotide variant.
Coding change: c.5468-11T>A on transcript NM_007294.4 (MANE Select); 11 bases into the intron before coding-DNA position 5468, T replaced by A.
Molecular consequence: intron variant.
Genome position (GRCh38, 1-based): chr17:43,045,813, A>T on the plus strand (T>A on the coding strand, the complement: BRCA1 is on the minus strand). VCF-style: chr17-43045813-A-T. GRCh37 (hg19) VCF-style: chr17-41197830-A-T.
Other names: c.5468-11T>A (NM_001407597.1, NM_001407605.1, NM_001407594.1 and 5 more transcripts); c.5534-11T>A (NM_001407582.1, NM_001407581.1); c.5252-11T>A (NM_001407917.1, NM_001407918.1, NM_001407915.1 and 1 more transcripts); c.2015-11T>A (NM_001408462.1, NM_001408458.1, NM_001408461.1 and 7 more transcripts); c.5465-11T>A (NM_001407623.1, NM_001407615.1, NM_001407625.1 and 14 more transcripts); c.5255-11T>A (NM_001407902.1, NM_001407897.1, NM_001407908.1 and 12 more transcripts); c.2078-11T>A (NM_001408414.1, NM_001408415.1, NM_001408412.1 and 2 more transcripts); c.2081-11T>A (NM_001408411.1); and 83 more.
Identifiers: ClinVar variation 3248648 (VCV003248648.1), dbSNP rs2152608629.